The following is an entry in ClinVar:

NM_001853.4(COL9A3):c.1621G>A (p.Ala541Thr)

Gene: COL9A3 (collagen type IX alpha 3 chain; plus strand). Cytogenetic location: 20q13.33.
Variant type: single nucleotide variant.
Coding change: c.1621G>A on transcript NM_001853.4 (MANE Select); coding-DNA position 1621, G replaced by A.
Protein change: p.Ala541Thr; replaces alanine 541 with threonine.
Molecular consequence: missense variant.
Genome position (GRCh38, 1-based): chr20:62,837,100, G>A. VCF-style: chr20-62837100-G-A. GRCh37 (hg19) VCF-style: chr20-61468452-G-A.
Other names: c.1621G>A, p.Ala541Thr (LRG_1253t1); short protein forms A541T.
Identifiers: ClinVar variation 258416 (VCV000258416.16), dbSNP rs201572795, ClinGen allele CA9950121.
Genomic context (GRCh38, chr20:62,837,100, plus strand): 5'-GATCCTCTCTCGAGTAAACGCCTGCACCCTTGTTTTCCCAAAGAACAAATTGCACAGTTA[G>A]CCGCGCACCTAAGGAAGCCTTTGGCACCCGGGTCCATTGGTCGGCCCGGTCCAGCTGGCC-3'
Protein context (NP_001844.3, residues 531-551): GMISEQIAQL[Ala541Thr]AHLRKPLAPG

ClinVar aggregate classification (germline): Conflicting classifications of pathogenicity. Review status: criteria provided, conflicting classifications (1 of 4 stars). 5 submissions from 5 submitters: Uncertain significance (2); Likely benign (2). 1 of the submissions does not count toward it. Last evaluated 2026-01-17.

Conditions:
Inborn genetic diseases. Identifiers: MedGen C0950123, MeSH D030342.
COL9A3-related disorder. Also called: COL9A3-related condition.

Allele frequency attached by ClinVar (database versions not stated): ExAC 0.00008; ESP Exome Variant Server 0.00008; gnomAD exomes 0.00010 and 0.00029; gnomAD 0.00011; TOPMed 0.00012.
gnomAD v4.1: 435 of 1,613,292 alleles (0.027%); highest among the groups gnomAD compares: Middle Eastern, 0.23%; no homozygotes.

Submissions (5):

Labcorp Genetics (formerly Invitae), Labcorp
Classification: Likely benign. Last evaluated: 2026-01-17. Review status: criteria provided, single submitter. Criteria: Invitae Variant Classification Sherloc (09022015). Collection method: clinical testing. Allele origin: germline.

Blueprint Genetics
Classification: Uncertain significance. Last evaluated: 2024-10-22. Review status: criteria provided, single submitter. Criteria: ACMG Guidelines, 2015. Collection method: clinical testing. Allele origin: germline.

Ambry Genetics
Classification: Uncertain significance for Inborn genetic diseases. Last evaluated: 2021-10-06. Review status: criteria provided, single submitter. Criteria: Ambry Variant Classification Scheme 2023. Collection method: clinical testing. Allele origin: germline.

GeneDx
Classification: Likely benign. Last evaluated: 2020-12-07. Review status: criteria provided, single submitter. Criteria: GeneDx Variant Classification Process June 2021. Collection method: clinical testing. Allele origin: germline. Affected: yes.

PreventionGenetics, part of Exact Sciences
Classification: Likely benign for COL9A3-related condition. Last evaluated: 2023-01-24. Review status: no assertion criteria provided. Collection method: clinical testing. Allele origin: germline. Not counted in ClinVar's aggregate classification.
Comment: This variant is classified as likely benign based on ACMG/AMP sequence variant interpretation guidelines (Richards et al. 2015 PMID: 25741868, with internal and published modifications).